The following is an entry in ClinVar:

NM_001142800.2(EYS):c.2615C>G (p.Ala872Gly)

Gene: EYS (eyes shut homolog; minus strand). Cytogenetic location: 6q12.
Variant type: single nucleotide variant.
Coding change: c.2615C>G on transcript NM_001142800.2 (MANE Select); coding-DNA position 2615, C replaced by G.
Protein change: p.Ala872Gly; replaces alanine 872 with glycine.
Molecular consequence: missense variant.
Genome position (GRCh38, 1-based): chr6:64,912,510, G>C on the plus strand (C>G on the coding strand, the complement: EYS is on the minus strand). VCF-style: chr6-64912510-G-C. GRCh37 (hg19) VCF-style: chr6-65622403-G-C.
Other names: c.2615C>G, p.Ala872Gly (NM_001292009.2); short protein forms A872G.
Identifiers: ClinVar variation 1398997 (VCV001398997.5), dbSNP rs2150076756, ClinGen allele CA364786121.

ClinVar aggregate classification (germline): Uncertain significance (1 of 4 stars; one submission).

Submission:

Labcorp Genetics (formerly Invitae), Labcorp
Classification: Uncertain significance. Last evaluated: 2022-10-13. Review status: criteria provided, single submitter. Criteria: Invitae Variant Classification Sherloc (09022015). Collection method: clinical testing. Allele origin: germline.
Comment: This sequence change replaces alanine, which is neutral and non-polar, with glycine, which is neutral and non-polar, at codon 872 of the EYS protein (p.Ala872Gly). This variant is not present in population databases (gnomAD no frequency). This variant has not been reported in the literature in individuals affected with EYS-related conditions. ClinVar contains an entry for this variant (Variation ID: 1398997). Algorithms developed to predict the effect of missense changes on protein structure and function output the following: SIFT: "Tolerated"; PolyPhen-2: "Benign"; Align-GVGD: "Class C0". The glycine amino acid residue is found in multiple mammalian species, which suggests that this missense change does not adversely affect protein function. In summary, the available evidence is currently insufficient to determine the role of this variant in disease. Therefore, it has been classified as a Variant of Uncertain Significance.